The following is an entry in ClinVar:

NM_017926.4(GPATCH2L):c.1053-65C>T

Gene: GPATCH2L (G-patch domain containing 2 like; plus strand). Cytogenetic location: 14q24.3.
Variant type: single nucleotide variant.
Coding change: c.1053-65C>T on transcript NM_017926.4 (MANE Select); 65 bases into the intron before coding-DNA position 1053, C replaced by T.
Molecular consequence: intron variant. On other transcripts: nonsense (2), non-coding transcript variant (1).
Genome position (GRCh38, 1-based): chr14:76,177,923, C>T. VCF-style: chr14-76177923-C-T. GRCh37 (hg19) VCF-style: chr14-76644266-C-T.
Other names: c.1084C>T, p.Arg362Ter (NM_001322026.2, NM_017972.3); c.1053-65C>T (NM_001322028.2, NM_001322030.3, NM_001322029.2 and 1 more transcripts); short protein forms R362*.
Identifiers: ClinVar variation 2644377 (VCV002644377.24), dbSNP rs117516637, ClinGen allele CA7281301.
Genomic context (GRCh38, chr14:76,177,923, plus strand): 5'-CTTTCCTGTTATTCTCTCCCTCTCTTTAGTTTCTGGTTACCATCAGCTGGGAAAAGAGAA[C>T]GAAATCAGGTAAGATCATTTTTCTTTGTCATCTTTATTTTATCATTTGGTTTCCTTTTCT-3'

ClinVar aggregate classification (germline): Likely benign (1 of 4 stars; one submission).

Allele frequency attached by ClinVar (database versions not stated): ESP Exome Variant Server 0.00354; 1000 Genomes Project 0.00359; 1000 Genomes Project 30x 0.00359.
gnomAD v4.1: 6,644 of 1,600,232 alleles (0.42%); highest among the groups gnomAD compares: Middle Eastern, 3.3%; 39 homozygotes.

Submission:

CeGaT Center for Human Genetics Tuebingen
Classification: Likely benign. Last evaluated: 2023-03-01. Review status: criteria provided, single submitter. Criteria: CeGaT Center For Human Genetics Tuebingen Variant Classification Criteria Version 2. Collection method: clinical testing. Allele origin: germline. Affected: yes. Observed: 1 variant allele.
Comment: GPATCH2L: BS2